The following is an entry in ClinVar:

ClinVar aggregate classification (germline): Uncertain significance (1 of 4 stars; one submission).

Conditions:
Joubert syndrome. Also called: Familial aplasia of the vermis; CEREBELLOPARENCHYMAL DISORDER IV; JOUBERT-BOLTSHAUSER SYNDROME. Identifiers: Orphanet 475, MedGen C5979921, MONDO:0018772.
Meckel-Gruber syndrome. Also called: Dysencephalia splachnocystica; DYSENCEPHALIA SPLANCHNOCYSTICA; GRUBER SYNDROME. Identifiers: Orphanet 564, MedGen C0265215, MONDO:0018921.
Nephronophthisis. Also called: Juvenile Nephronophthisis. Identifiers: Orphanet 655, MedGen C0687120, MONDO:0019005, HP:0000090.

Submission:

Labcorp Genetics (formerly Invitae), Labcorp
Classification: Uncertain significance for Joubert syndrome; Meckel-Gruber syndrome; Nephronophthisis. Last evaluated: 2020-09-08. Review status: criteria provided, single submitter. Criteria: Invitae Variant Classification Sherloc (09022015). Collection method: clinical testing. Allele origin: germline.
Comment: In summary, the available evidence is currently insufficient to determine the role of this variant in disease. Therefore, it has been classified as a Variant of Uncertain Significance. This sequence change falls in intron 40 of the CEP290 gene. It does not directly change the encoded amino acid sequence of the CEP290 protein. This variant is not present in population databases (ExAC no frequency). This variant has not been reported in the literature in individuals with CEP290-related conditions. Algorithms developed to predict the effect of sequence changes on RNA splicing suggest that this variant may create or strengthen a splice site, but this prediction has not been confirmed by published transcriptional studies.

NM_025114.4(CEP290):c.5586+8_5586+9insGATTACAGGTAATTTTTTTTTTTTTTTTTTTTTTTTNNNNNNNNNNCCGTTTTAGCCGGGATGGTCTCGATCTCCTGACCTCGTGATCCGCCCGCCTCGGCCTCCCAAAGTGCTGGGATTACAGGCGTGAGCCACCGCGCCCGGCC

Gene: CEP290 (centrosomal protein 290; minus strand). Cytogenetic location: 12q21.32.
Variant type: Microsatellite.
Coding change: c.5586+8_5586+9insGATTACAGGTAATTTTTTTTTTTTTTTTTTTTTTTTNNNNNNNNNNCCGTTTTAGCCGGGATGGTCTCGATCTCCTGACCTCGTGATCCGCCCGCCTCGGCCTCCCAAAGTGCTGGGATTACAGGCGTGAGCCACCGCGCCCGGCC on transcript NM_025114.4 (MANE Select); bases 8 to 9 of the intron after coding-DNA position 5586, GATTACAGGTAATTTTTTTTTTTTTTTTTTTTTTTTNNNNNNNNNNCCGTTTTAGCCGGGATGGTCTCGATCTCCTGACCTCGTGATCCGCCCGCCTCGGCCTCCCAAAGTGCTGGGATTACAGGCGTGAGCCACCGCGCCCGGCC inserted.
Molecular consequence: splice donor variant.
Genome position: GRCh38: chr12:88,077,689-88,077,704. GRCh37 (hg19): chr12:88,471,466-88,471,481.
Identifiers: ClinVar variation 1037083 (VCV001037083.9).